The following is an entry in ClinVar:

ClinVar aggregate classification (germline): risk factor (0 of 4 stars; one submission).

Conditions:
Primary open angle glaucoma (POAG). Also called: OPTN-related open angle glaucoma. Identifiers: MedGen C0339573, MONDO:0100553, OMIM 137760.

Allele frequency attached by ClinVar (database versions not stated): ESP Exome Variant Server 0.00108; 1000 Genomes Project 30x 0.00125; gnomAD 0.00143; 1000 Genomes Project 0.00160; gnomAD exomes 0.00172; TOPMed 0.00176; ExAC 0.00226.
gnomAD v4.1: 3,069 of 1,578,920 alleles (0.19%); highest among the groups gnomAD compares: Middle Eastern, 0.28%; 3 homozygotes.

Submissions (6):

Flinders Ophthalmology, Flinders University
Classification: risk factor for Primary open angle glaucoma. Last evaluated: 2016-03-29. Review status: no assertion criteria provided. Collection method: case-control. Allele origin: unknown. Affected: yes. Observed: 3 variant alleles.
Comment: GWAS associated gene CARD10

Dr. Peter K. Rogan Lab, Western University
No classification provided (evidence only). Condition: Lung cancer. Review status: no classification provided. Collection method: in vitro. Allele origin: not applicable. Functional consequence: skipped exon. Not counted in ClinVar's aggregate classification.

Dr. Peter K. Rogan Lab, Western University
No classification provided (evidence only). Condition: Colon adenocarcinoma. Review status: no classification provided. Collection method: in vitro. Allele origin: not applicable. Functional consequence: skipped exon. Not counted in ClinVar's aggregate classification.

Dr. Peter K. Rogan Lab, Western University
No classification provided (evidence only). Condition: Cervical cancer. Review status: no classification provided. Collection method: in vitro. Allele origin: not applicable. Functional consequence: retained intron. Not counted in ClinVar's aggregate classification.

Dr. Peter K. Rogan Lab, Western University
No classification provided (evidence only). Condition: Hepatocellular carcinoma. Review status: no classification provided. Collection method: in vitro. Allele origin: not applicable. Functional consequence: skipped exon. Not counted in ClinVar's aggregate classification.

Dr. Peter K. Rogan Lab, Western University
No classification provided (evidence only). Condition: Thymoma. Review status: no classification provided. Collection method: in vitro. Allele origin: not applicable. Functional consequence: retained intron. Not counted in ClinVar's aggregate classification.

Literature cited by the submitters: PubMed 27896285 (cited by Flinders Ophthalmology, Flinders University).

NM_014550.4(CARD10):c.983C>T (p.Ala328Val)

Gene: CARD10 (caspase recruitment domain family member 10; minus strand). Cytogenetic location: 22q13.1.
Variant type: single nucleotide variant.
Coding change: c.983C>T on transcript NM_014550.4 (MANE Select); coding-DNA position 983, C replaced by T.
Protein change: p.Ala328Val; replaces alanine 328 with valine.
Molecular consequence: missense variant.
Genome position (GRCh38, 1-based): chr22:37,508,609, G>A on the plus strand (C>T on the coding strand, the complement: CARD10 is on the minus strand). VCF-style: chr22-37508609-G-A. GRCh37 (hg19) VCF-style: chr22-37904616-G-A.
Other names: NC_000022.10:g.37904616G>A; short protein forms A328V.
Identifiers: ClinVar variation 224913 (VCV000224913.4), dbSNP rs139006752, ClinGen allele CA10220005.